The following is an entry in ClinVar:

NM_001039141.3(TRIOBP):c.5550G>A (p.Val1850=)

Genes: TRIOBP (TRIO and F-actin binding protein; plus strand), LOC126863145 (CDK7 strongly-dependent group 2 enhancer GRCh37_chr22:38150829-38152028; plus strand). Cytogenetic location: 22q13.1.
Variant type: single nucleotide variant.
Coding change: c.5550G>A on transcript NM_001039141.3 (MANE Select); coding-DNA position 5550, G replaced by A.
Protein change: p.Val1850=; no amino-acid change (valine 1850 retained).
Molecular consequence: synonymous variant.
Genome position (GRCh38, 1-based): chr22:37,755,163, G>A. VCF-style: chr22-37755163-G-A. GRCh37 (hg19) VCF-style: chr22-38151170-G-A.
Other names: p.Val1850=; c.411G>A, p.Val137= (NM_007032.5, NM_138632.2).
Identifiers: ClinVar variation 43862 (VCV000043862.16), dbSNP rs11704996, ClinGen allele CA133046.

ClinVar aggregate classification (germline): Benign. Review status: criteria provided, multiple submitters, no conflicts (2 of 4 stars). 6 submissions from 6 submitters: Benign (6). Last evaluated 2026-02-01.

Allele frequency attached by ClinVar (database versions not stated): TOPMed 0.05995; gnomAD 0.06152 and 0.05979; ESP Exome Variant Server 0.05467; 1000 Genomes Project 30x 0.04138; gnomAD exomes 0.05808; 1000 Genomes Project 0.03954; ExAC 0.06197.
gnomAD v4.1: 91,917 of 1,613,060 alleles (5.7%); highest among the groups gnomAD compares: Admixed American, 10%; 2,810 homozygotes.

Submissions (6):

Labcorp Genetics (formerly Invitae), Labcorp
Classification: Benign. Last evaluated: 2026-02-01. Review status: criteria provided, single submitter. Criteria: Invitae Variant Classification Sherloc (09022015). Collection method: clinical testing. Allele origin: germline.

Mayo Clinic Laboratories, Mayo Clinic
Classification: Benign. Last evaluated: 2020-10-02. Review status: criteria provided, single submitter. Criteria: ACMG Guidelines, 2015. Collection method: clinical testing. Allele origin: germline. Observed: 16 variant alleles.

GeneDx
Classification: Benign. Last evaluated: 2017-06-01. Review status: criteria provided, single submitter. Criteria: GeneDx Variant Classification (06012015). Collection method: clinical testing. Allele origin: germline. Affected: yes.
Comment: This variant is considered likely benign or benign based on one or more of the following criteria: it is a conservative change, it occurs at a poorly conserved position in the protein, it is predicted to be benign by multiple in silico algorithms, and/or has population frequency not consistent with disease.

Laboratory for Molecular Medicine, Mass General Brigham Personalized Medicine
Classification: Benign. Last evaluated: 2012-05-07. Review status: criteria provided, single submitter. Criteria: LMM Criteria. Collection method: clinical testing. Allele origin: germline. Observed: 195 variant alleles.
Comment: "Val1850Val in Exon 14 of TRIOBP: This variant is not expected to have clinical significance because it does not alter an amino acid residue, is not located wit hin the splice consensus sequence, and has been identified in 5.6% (392/7020) of European American chromosomes from a broad population by the NHLBI Exome Sequen cing Project (dbSNP rs11704996)."

Breakthrough Genomics
Classification: Benign. Review status: criteria provided, single submitter. Criteria: ACMG Guidelines, 2015. Collection method: not provided. Allele origin: germline. Inheritance: Autosomal recessive inheritance. Affected: yes.

PreventionGenetics, part of Exact Sciences
Classification: Benign. Review status: criteria provided, single submitter. Criteria: ACMG Guidelines, 2015. Collection method: clinical testing. Allele origin: germline.